The following is an entry in ClinVar:

NM_014515.7(CNOT2):c.1127_1133delinsCACACACACCC (p.Leu376fs)

Gene: CNOT2 (CCR4-NOT transcription complex subunit 2; plus strand). Cytogenetic location: 12q15.
Variant type: Indel.
Coding change: c.1127_1133delinsCACACACACCC on transcript NM_014515.7 (MANE Select); coding-DNA positions 1127 to 1133, TTGCATT replaced by CACACACACCC.
Protein change: p.Leu376fs; shifts the reading frame from leucine 376.
Molecular consequence: frameshift variant. On other transcripts: non-coding transcript variant (1).
Genome position (GRCh38, 1-based): chr12:70,338,771-70,338,777, TTGCATT replaced by CACACACACCC. VCF-style: chr12-70338771-TTGCATT-CACACACACCC. GRCh37 (hg19) VCF-style: chr12-70732551-TTGCATT-CACACACACCC.
Other names: c.1127_1133delinsCACACACACCC, p.Leu376fs (NM_001199302.2, NM_001199303.2, NM_001414651.1 and 1 more transcripts); c.1100_1106delinsCACACACACCC, p.Leu367fs (NM_001414653.1, NM_001414654.1, NM_001414655.1); c.1085_1091delinsCACACACACCC, p.Leu362fs (NM_001414656.1); c.1067_1073delinsCACACACACCC, p.Leu356fs (NM_001414657.1, NM_001414658.1, NM_001414659.1 and 1 more transcripts); c.1004_1010delinsCACACACACCC, p.Leu335fs (NM_001414661.1); c.944_950delinsCACACACACCC, p.Leu315fs (NM_001414662.1); short protein forms L315fs, L335fs, L356fs, L362fs, L367fs, L376fs.
Identifiers: ClinVar variation 4884729 (VCV004884729.1).
Genomic context (GRCh38, chr12:70,338,771, plus strand): 5'-GAATGATTGGCCTGTTAACATTTATCAGGGCAGCAGAGACAGACCCAGGAATGGTACATC[TTGCATT>CACACACACCC]AGGAAGTGACTTAACAACATTAGGCCTCAATCTGAACTCTCCTGAGTAAGTTTTTTCTGT-3'

ClinVar aggregate classification (germline): Likely pathogenic (1 of 4 stars; one submission).

Conditions:
Intellectual developmental disorder with nasal speech, dysmorphic facies, and variable skeletal anomalies. Identifiers: MedGen C5231426, MONDO:0032832, OMIM 618608.

Submission:

Institute of Human Genetics, University of Goettingen
Classification: Likely pathogenic for Intellectual developmental disorder with nasal speech, dysmorphic facies, and variable skeletal anomalies. Last evaluated: 2026-07-30. Review status: criteria provided, single submitter. Criteria: ACMG Guidelines, 2015. Collection method: clinical testing. Allele origin: germline. Affected: yes. Observed: 1 variant allele, 1 heterozygote.
Comment: The NM_014515.7(CNOT2):c.1127_1133delTTGCATTinsCACACACACCC (p.Leu376ProfsTer7) variant causes a frameshift, missense change. The variant is predicted to lead to nonsense-mediated mRNA decay (NMD). Note: allele frequency estimates from gnomAD may be inaccurate for this variant type (MNP or indel longer than 3 bp) due to technology limitations. The variant is absent from the gnomAD population database at sites with sufficient sequencing coverage. The affected nucleotide is highly conserved across species (PhyloP 100-way vertebrate score: 10.00). No clinical diagnostic laboratories have submitted clinical-significance assessments for this variant to ClinVar. ACMG criteria used for classification: PVS1_str, PM2_mod.